The following is an entry in ClinVar:

ClinVar aggregate classification (germline): Uncertain significance. Review status: criteria provided, multiple submitters, no conflicts (2 of 4 stars). 4 submissions from 4 submitters: Uncertain significance (4). Last evaluated 2025-12-08.

Conditions:
Hypertrophic cardiomyopathy. Also called: HYPERTROPHIC MYOCARDIOPATHY. Identifiers: Orphanet 217569, MedGen C0007194, MeSH D002312, MONDO:0005045, HP:0001639.
Cardiovascular phenotype. Identifiers: MedGen CN230736.

Allele frequency attached by ClinVar (database versions not stated): TOPMed below 0.00001; gnomAD 0.00001.

Submissions (4):

Labcorp Genetics (formerly Invitae), Labcorp
Classification: Uncertain significance for Hypertrophic cardiomyopathy. Last evaluated: 2025-12-08. Review status: criteria provided, single submitter. Criteria: Invitae Variant Classification Sherloc (09022015). Collection method: clinical testing. Allele origin: germline.
Comment: This sequence change replaces arginine, which is basic and polar, with cysteine, which is neutral and slightly polar, at codon 436 of the JPH2 protein (p.Arg436Cys). The frequency data for this variant in the population databases is considered unreliable, as metrics indicate poor data quality at this position in the gnomAD database. This missense change has been observed in individuals with hypertrophic cardiomyopathy (PMID: 17476457, 32492895; internal data). ClinVar contains an entry for this variant (Variation ID: 454468). An algorithm developed to predict the effect of missense changes on protein structure and function (PolyPhen-2) suggests that this variant is likely to be disruptive. In summary, the available evidence is currently insufficient to determine the role of this variant in disease. Therefore, it has been classified as a Variant of Uncertain Significance.

GeneDx
Classification: Uncertain significance. Last evaluated: 2019-04-17. Review status: criteria provided, single submitter. Criteria: GeneDx Variant Classification Process June 2021. Collection method: clinical testing. Allele origin: germline. Affected: yes.
Comment: Identified in two unrelated patients with HCM and two healthy controls in the published literature (Matsushita et al., 2007); In silico analysis, which includes protein predictors and evolutionary conservation, supports a deleterious effect; Reported in ClinVar by another clinical laboratory as a variant of uncertain clinical significance (ClinVar Variant ID# 454468; Landrum et al., 2016); This variant is associated with the following publications: (PMID: 17476457, 22515980, 24636942)

Ambry Genetics
Classification: Uncertain significance for Cardiovascular phenotype. Last evaluated: 2018-03-13. Review status: criteria provided, single submitter. Criteria: Ambry Variant Classification Scheme 2023. Collection method: clinical testing. Allele origin: germline.
Comment: The p.R436C variant (also known as c.1306C>T), located in coding exon 4 of the JPH2 gene, results from a C to T substitution at nucleotide position 1306. The arginine at codon 436 is replaced by cysteine, an amino acid with highly dissimilar properties. In one Japanese study, this alteration was detected in two individuals with hypertrophic cardiomyopathy and in two healthy controls; however, clinical details were limited (Matsushita Y et al. J. Hum. Genet., 2007 May;52:543-8). This amino acid position is well conserved in available vertebrate species. In addition, this alteration is predicted to be tolerated by in silico analysis. Since supporting evidence is limited at this time, the clinical significance of this alteration remains unclear.

Stanford Center for Inherited Cardiovascular Disease, Stanford University
Classification: Uncertain significance. Last evaluated: 2018-02-02. Review status: criteria provided, single submitter. Criteria: ACMG Guidelines, 2015. Collection method: provider interpretation. Allele origin: germline.

Literature cited by the submitters: PubMed 17476457 (cited by Labcorp Genetics (formerly Invitae), Labcorp and Ambry Genetics); PubMed 32492895 (cited by Labcorp Genetics (formerly Invitae), Labcorp).

NM_020433.5(JPH2):c.1306C>T (p.Arg436Cys)

Gene: JPH2 (junctophilin 2; minus strand). Cytogenetic location: 20q13.12.
Variant type: single nucleotide variant.
Coding change: c.1306C>T on transcript NM_020433.5 (MANE Select); coding-DNA position 1306, C replaced by T.
Protein change: p.Arg436Cys; replaces arginine 436 with cysteine.
Molecular consequence: missense variant.
Genome position (GRCh38, 1-based): chr20:44,116,369, G>A on the plus strand (C>T on the coding strand, the complement: JPH2 is on the minus strand). VCF-style: chr20-44116369-G-A. GRCh37 (hg19) VCF-style: chr20-42745009-G-A.
Other names: short protein forms R436C.
Identifiers: ClinVar variation 454468 (VCV000454468.15), dbSNP rs1326977511, ClinGen allele CA409100969.